The following is an entry in ClinVar:

ClinVar aggregate classification (germline): Uncertain significance (1 of 4 stars; one submission).

Submission:

Labcorp Genetics (formerly Invitae), Labcorp
Classification: Uncertain significance. Last evaluated: 2022-09-28. Review status: criteria provided, single submitter. Criteria: Invitae Variant Classification Sherloc (09022015). Collection method: clinical testing. Allele origin: germline.
Comment: In summary, the available evidence is currently insufficient to determine the role of this variant in disease. Therefore, it has been classified as a Variant of Uncertain Significance. This variant has not been reported in the literature in individuals affected with SUCLG2-related conditions. This variant is present in population databases (no rsID available, gnomAD 0.003%). This sequence change creates a premature translational stop signal (p.Gly335Valfs*3) in the SUCLG2 gene. It is expected to result in an absent or disrupted protein product. However, the current clinical and genetic evidence is not sufficient to establish whether loss-of-function variants in SUCLG2 cause disease.

NM_003848.4(SUCLG2):c.1004del (p.Gly335fs)

Gene: SUCLG2 (succinate-CoA ligase GDP-forming subunit beta; minus strand). Cytogenetic location: 3p14.1.
Variant type: Deletion.
Coding change: c.1004del on transcript NM_003848.4 (MANE Select); coding-DNA position 1004, one base deleted (G; older notation c.1004delG).
Protein change: p.Gly335fs; shifts the reading frame from glycine 335.
Molecular consequence: frameshift variant.
Genome position (GRCh38, 1-based): chr3:67,495,856, C deleted on the plus strand (G on the coding strand, the reverse complement: SUCLG2 is on the minus strand); the first of 2 consecutive C bases (chr3:67,495,856-67,495,857); deleting either gives the same sequence. VCF-style (leftmost placement, unchanged base first): chr3-67495855-AC-A. GRCh37 (hg19) VCF-style: chr3-67546279-AC-A.
Other names: c.1004del, p.Gly335fs (NM_001177599.2); short protein forms G335fs.
Identifiers: ClinVar variation 2193152 (VCV002193152.4), dbSNP rs1320857604, ClinGen allele CA543727307.
Genomic context (GRCh38, chr3:67,495,855, plus strand): 5'-TACCTTAGGATCAGCTGTGAGCAATTTGAATGCTTGATATACTTGAGCTTCCTTTACACC[AC>A]CTCCAAGATCCAAGAAGTTGGCTGGCTTCCCACCATTAAGGAAAATGATATCACAAGTAG-3'